The following is an entry in ClinVar:

NM_006517.5(SLC16A2):c.447C>T (p.Leu149=)

Gene: SLC16A2 (solute carrier family 16 member 2; plus strand). Cytogenetic location: Xq13.2.
Variant type: single nucleotide variant.
Coding change: c.447C>T on transcript NM_006517.5 (MANE Select); coding-DNA position 447, C replaced by T.
Protein change: p.Leu149=; no amino-acid change (leucine 149 retained).
Molecular consequence: synonymous variant.
Genome position (GRCh38, 1-based): chrX:74,521,006, C>T. VCF-style: chrX-74521006-C-T. GRCh37 (hg19) VCF-style: chrX-73740841-C-T.
Other names: p.Leu149=.
Identifiers: ClinVar variation 436734 (VCV000436734.18), dbSNP rs200444038, ClinGen allele CA10454409.
Genomic context (GRCh38, chrX:74,521,006, plus strand): 5'-CACTACACTAAGCTAAAGTGTCTTTGCACTTGTTTTCTCTGCAGCATGGGTCGGAGCCCT[C>T]GCGATGGGTATGATCTTCTTCTGTTCTCCCATTGTGAGTATATTCACTGACCGTTTGGGC-3'
Protein context (NP_006508.2, residues 139-159): VEFQAAWVGA[Leu149=]AMGMIFFCSP

ClinVar aggregate classification (germline): Benign. Review status: criteria provided, multiple submitters, no conflicts (2 of 4 stars). 4 submissions from 4 submitters: Benign (4). Last evaluated 2026-01-16.

Conditions:
Spastic paraplegia. Identifiers: MedGen C0037772, HP:0001258.

Allele frequency attached by ClinVar (database versions not stated): ESP Exome Variant Server 0.00057; TOPMed 0.00060; ExAC 0.00064; gnomAD 0.00066; gnomAD exomes 0.00070 and 0.00090.
gnomAD v4.1: 1,045 of 1,209,865 alleles (0.086%); highest among the groups gnomAD compares: Non-Finnish European, 0.094%; 3 homozygotes.

Submissions (4):

Labcorp Genetics (formerly Invitae), Labcorp
Classification: Benign for Spastic paraplegia. Last evaluated: 2026-01-16. Review status: criteria provided, single submitter. Criteria: Invitae Variant Classification Sherloc (09022015). Collection method: clinical testing. Allele origin: germline.

Mayo Clinic Laboratories, Mayo Clinic
Classification: Benign. Last evaluated: 2024-12-04. Review status: criteria provided, single submitter. Criteria: ACMG Guidelines, 2015. Collection method: clinical testing. Allele origin: germline. Observed: 4 variant alleles.
Comment: BS1, BS2, BP4, BP7

Genetic Services Laboratory, University of Chicago
Classification: Benign. Last evaluated: 2017-04-14. Review status: criteria provided, single submitter. Criteria: ACMG Guidelines, 2015. Collection method: clinical testing. Allele origin: germline. Affected: no.

Breakthrough Genomics
Classification: Benign. Review status: criteria provided, single submitter. Criteria: ACMG Guidelines, 2015. Collection method: not provided. Allele origin: germline. Inheritance: X-linked inheritance. Affected: yes.